The following is an entry in ClinVar:

ClinVar aggregate classification (germline): Benign. Review status: criteria provided, multiple submitters, no conflicts (2 of 4 stars). 6 submissions from 6 submitters: Benign (6). Last evaluated 2026-02-04.

Conditions:
Immunodeficiency 64. Also called: IMMUNODEFICIENCY 64 WITH LYMPHOPROLIFERATION. Identifiers: Orphanet 664699, MedGen C5231402, MONDO:0032803, OMIM 618534.

Allele frequency attached by ClinVar (database versions not stated): 1000 Genomes Project 0.17232; 1000 Genomes Project 30x 0.17926; gnomAD exomes 0.21330 and 0.24664; TOPMed 0.21898; ExAC 0.22336; gnomAD 0.22438 and 0.22715; ESP Exome Variant Server 0.24144.
gnomAD v4.1: 392,172 of 1,604,328 alleles (24%); highest among the groups gnomAD compares: Non-Finnish European, 26%; 50,342 homozygotes.

Submissions (6):

Labcorp Genetics (formerly Invitae), Labcorp
Classification: Benign. Last evaluated: 2026-02-04. Review status: criteria provided, single submitter. Criteria: Invitae Variant Classification Sherloc (09022015). Collection method: clinical testing. Allele origin: germline.

Blueprint Genetics
Classification: Benign. Last evaluated: 2024-11-27. Review status: criteria provided, single submitter. Criteria: ACMG Guidelines, 2015. Collection method: clinical testing. Allele origin: germline.

Unidad de Genómica Garrahan, Hospital de Pediatría Garrahan
Classification: Benign. Last evaluated: 2023-11-12. Review status: criteria provided, single submitter. Criteria: ACMG Guidelines, 2015. Collection method: clinical testing. Allele origin: germline. Affected: no. Observed: 36 variant alleles.
Comment: This variant is classified as Benign based on local population frequency. This variant was detected in 38% of patients studied by a panel of primary immunodeficiencies. Number of patients: 36. Only high quality variants are reported.

Mayo Clinic Laboratories, Mayo Clinic
Classification: Benign. Last evaluated: 2022-09-06. Review status: criteria provided, single submitter. Criteria: ACMG Guidelines, 2015. Collection method: clinical testing. Allele origin: germline. Observed: 93 variant alleles.

Genome-Nilou Lab
Classification: Benign for Immunodeficiency 64. Last evaluated: 2021-11-07. Review status: criteria provided, single submitter. Criteria: ACMG Guidelines, 2015. Collection method: clinical testing. Allele origin: germline. Affected: no.

Breakthrough Genomics
Classification: Benign. Review status: criteria provided, single submitter. Criteria: ACMG Guidelines, 2015. Collection method: not provided. Allele origin: germline. Inheritance: Autosomal recessive inheritance. Affected: yes.

NM_005739.4(RASGRP1):c.1485T>C (p.Phe495=)

Gene: RASGRP1 (RAS guanyl releasing protein 1; minus strand). Cytogenetic location: 15q14.
Variant type: single nucleotide variant.
Coding change: c.1485T>C on transcript NM_005739.4 (MANE Select); coding-DNA position 1485, T replaced by C.
Protein change: p.Phe495=; no amino-acid change (phenylalanine 495 retained).
Molecular consequence: synonymous variant.
Genome position (GRCh38, 1-based): chr15:38,502,365, A>G on the plus strand (T>C on the coding strand, the complement: RASGRP1 is on the minus strand). VCF-style: chr15-38502365-A-G. GRCh37 (hg19) VCF-style: chr15-38794566-A-G.
Other names: p.Phe495=; c.1380T>C, p.Phe460= (NM_001128602.2, NM_001306086.2).
Identifiers: ClinVar variation 1169965 (VCV001169965.16), dbSNP rs12324402, ClinGen allele CA7470884.